The following is an entry in ClinVar:

NM_025137.4(SPG11):c.1618C>T (p.Arg540Cys)

Gene: SPG11 (SPG11 vesicle trafficking associated, spatacsin; minus strand). Cytogenetic location: 15q21.1.
Variant type: single nucleotide variant.
Coding change: c.1618C>T on transcript NM_025137.4 (MANE Select); coding-DNA position 1618, C replaced by T.
Protein change: p.Arg540Cys; replaces arginine 540 with cysteine.
Molecular consequence: missense variant.
Genome position (GRCh38, 1-based): chr15:44,633,622, G>A on the plus strand (C>T on the coding strand, the complement: SPG11 is on the minus strand). VCF-style: chr15-44633622-G-A. GRCh37 (hg19) VCF-style: chr15-44925820-G-A.
Other names: c.1618C>T, p.Arg540Cys (NM_001160227.2); short protein forms R540C.
Identifiers: ClinVar variation 885689 (VCV000885689.23), dbSNP rs758046989, ClinGen allele CA7535488.

ClinVar aggregate classification (germline): Uncertain significance. Review status: criteria provided, multiple submitters, no conflicts (2 of 4 stars). 8 submissions from 6 submitters: Uncertain significance (8). Last evaluated 2025-06-01.

Conditions:
Amyotrophic lateral sclerosis (ALS). Also called: Charcot disease; Lou Gehrig disease. Identifiers: Orphanet 803, MedGen C0002736, MONDO:0004976, HP:0007354.
Charcot-Marie-Tooth disease axonal type 2X. Also called: CHARCOT-MARIE-TOOTH DISEASE, AXONAL, AUTOSOMAL RECESSIVE, TYPE 2X; CHARCOT-MARIE-TOOTH NEUROPATHY, TYPE 2X. Identifiers: Orphanet 466775, MedGen C5569024, MONDO:0014726, OMIM 616668.
Amyotrophic lateral sclerosis type 5 (ALS5). Also called: AMYOTROPHIC LATERAL SCLEROSIS 5, JUVENILE. Identifiers: Orphanet 300605, MedGen C1865864, MONDO:0011196, OMIM 602099.
Hereditary spastic paraplegia 11. Also called: SPASTIC PARAPLEGIA, AUTOSOMAL RECESSIVE, COMPLICATED, WITH THIN CORPUS CALLOSUM; SPASTIC PARAPLEGIA, AUTOSOMAL RECESSIVE, WITH MENTAL IMPAIRMENT AND THIN CORPUS CALLOSUM; Spastic Paraplegia 11; Nakamura Osame syndrome; Spastic paraplegia, mental retardation and thin corpus callosum; Autosomal recessive hereditary spastic paraplegia, mental impairment, and thin corpus callosum. Identifiers: Orphanet 2822, MedGen C1858479, MONDO:0011445, OMIM 604360.
Inborn genetic diseases. Identifiers: MedGen C0950123, MeSH D030342.

Allele frequency attached by ClinVar (database versions not stated): gnomAD 0.00001; gnomAD exomes 0.00001; ExAC 0.00002.
gnomAD v4.1: 12 of 1,613,176 alleles (0.00074%); highest among the groups gnomAD compares: South Asian, 0.0055%; no homozygotes.

Submissions (8):

CeGaT Center for Human Genetics Tuebingen
Classification: Uncertain significance. Last evaluated: 2025-06-01. Review status: criteria provided, single submitter. Criteria: CeGaT Center For Human Genetics Tuebingen Variant Classification Criteria Version 2. Collection method: clinical testing. Allele origin: germline. Affected: yes. Observed: 1 variant allele.
Comment: SPG11: PM2

Women's Health and Genetics/Laboratory Corporation of America, LabCorp
Classification: Uncertain significance. Last evaluated: 2024-04-01. Review status: criteria provided, single submitter. Criteria: LabCorp Variant Classification Summary - May 2015. Collection method: clinical testing. Allele origin: germline.
Comment: Variant summary: SPG11 c.1618C>T (p.Arg540Cys) results in a non-conservative amino acid change in the encoded protein sequence. Five of five in-silico tools predict a damaging effect of the variant on protein function. The variant allele was found at a frequency of 1.2e-05 in 250376 control chromosomes. The available data on variant occurrences in the general population are insufficient to allow any conclusion about variant significance. c.1618C>T has been reported in the literature in individuals affected with Amyotrophic lateral sclerosis (Borg_2011). This report does not provide unequivocal conclusions about association of the variant with Hereditary Spastic Paraplegia, Type 11. To our knowledge, no experimental evidence demonstrating an impact on protein function has been reported. The following publication have been ascertained in the context of this evaluation (PMID: 33414559). ClinVar contains an entry for this variant (Variation ID: 885689). Based on the evidence outlined above, the variant was classified as uncertain significance.

Ambry Genetics
Classification: Uncertain significance for Inborn genetic diseases. Last evaluated: 2022-09-12. Review status: criteria provided, single submitter. Criteria: Ambry Variant Classification Scheme 2023. Collection method: clinical testing. Allele origin: germline.
Comment: The p.R540C variant (also known as c.1618C>T), located in coding exon 8 of the SPG11 gene, results from a C to T substitution at nucleotide position 1618. The arginine at codon 540 is replaced by cysteine, an amino acid with highly dissimilar properties. This alteration was detected in the heterozygous state in an individual with sporadic amyotrophic lateral sclerosis; however, clinical details were limited (Borg R et al. Eur J Hum Genet, 2021 04;29:604-614). This amino acid position is well conserved in available vertebrate species. In addition, this alteration is predicted to be deleterious by in silico analysis. Since supporting evidence is limited at this time, the clinical significance of this alteration remains unclear.

UM ALS/MND Lab, University Of Malta
Classification: Uncertain significance for Amyotrophic lateral sclerosis. Last evaluated: 2020-07-31. Review status: criteria provided, single submitter. Criteria: ACMG Guidelines, 2015. Collection method: case-control. Allele origin: unknown. Inheritance: Autosomal dominant inheritance. Affected: yes. Observed: 1 heterozygote.

Illumina Laboratory Services, Illumina
Classification: Uncertain significance for Hereditary spastic paraplegia 11. Last evaluated: 2018-03-23. Review status: criteria provided, single submitter. Criteria: ICSL Variant Classification Criteria 13 December 2019. Collection method: clinical testing. Allele origin: germline.

Genome-Nilou Lab
Classification: Uncertain significance for Amyotrophic lateral sclerosis type 5. Review status: criteria provided, single submitter. Criteria: ACMG Guidelines, 2015. Collection method: clinical testing. Allele origin: germline.

Genome-Nilou Lab
Classification: Uncertain significance for Charcot-Marie-Tooth disease axonal type 2X. Review status: criteria provided, single submitter. Criteria: ACMG Guidelines, 2015. Collection method: clinical testing. Allele origin: germline.

Genome-Nilou Lab
Classification: Uncertain significance for Hereditary spastic paraplegia 11. Review status: criteria provided, single submitter. Criteria: ACMG Guidelines, 2015. Collection method: clinical testing. Allele origin: germline.

Literature cited by the submitters: PubMed 33414559 (cited by Women's Health and Genetics/Laboratory Corporation of America, LabCorp and Ambry Genetics).